The following is an entry in ClinVar:

NC_000002.12:g.(?_111838438)_(112028864_?)del

Genes: ANAPC1 (anaphase promoting complex subunit 1; minus strand), MERTK (MER proto-oncogene, tyrosine kinase; plus strand). Cytogenetic location: 2q13.
Variant type: Deletion.
Identifiers: ClinVar variation 831639 (VCV000831639.1).

ClinVar aggregate classification (germline): Pathogenic (1 of 4 stars; one submission).

Submission:

Labcorp Genetics (formerly Invitae), Labcorp
Classification: Pathogenic. Last evaluated: 2019-09-10. Review status: criteria provided, single submitter. Criteria: Invitae Variant Classification Sherloc (09022015). Collection method: clinical testing. Allele origin: germline.
Comment: A gross deletion of the genomic region encompassing the full coding sequence of the MERTK gene has been identified. The boundaries of this event are unknown as the deletion extends beyond the assayed region for this gene and therefore may encompass additional genes. Isolated whole-gene deletions of MERTK have not been reported in the literature. However, larger copy number events that include this gene have been reported (PMID: 30557390). Loss-of-function variants in MERTK are known to be pathogenic (PMID: 11592982, 19956407, 24265693, 26263531, 29659094). For these reasons, this variant has been classified as Pathogenic.

Literature cited by the submitters: PubMed 30557390.